The following is an entry in ClinVar:

ClinVar aggregate classification (germline): Uncertain significance (1 of 4 stars; one submission).

Conditions:
Epileptic encephalopathy. Identifiers: MedGen C0543888, HP:0200134.

Allele frequency attached by ClinVar (database versions not stated): gnomAD exomes 0.00001; TOPMed 0.00001.
gnomAD v4.1: 3 of 1,565,192 alleles (0.00019%); highest among the groups gnomAD compares: African/African-American, 0.0027%; no homozygotes.

Submission:

Labcorp Genetics (formerly Invitae), Labcorp
Classification: Uncertain significance for Epileptic encephalopathy. Last evaluated: 2019-07-10. Review status: criteria provided, single submitter. Criteria: Invitae Variant Classification Sherloc (09022015). Collection method: clinical testing. Allele origin: germline.
Comment: This sequence change replaces alanine with serine at codon 1283 of the FASN protein (p.Ala1283Ser). The alanine residue is weakly conserved and there is a moderate physicochemical difference between alanine and serine. The frequency data for this variant in the population databases is considered unreliable, as metrics indicate insufficient coverage at this position in the ExAC database. This variant has not been reported in the literature in individuals with FASN-related conditions. Algorithms developed to predict the effect of missense changes on protein structure and function (SIFT, PolyPhen-2, Align-GVGD) all suggest that this variant is likely to be tolerated, but these predictions have not been confirmed by published functional studies and their clinical significance is uncertain. In summary, the available evidence is currently insufficient to determine the role of this variant in disease. Therefore, it has been classified as a Variant of Uncertain Significance.

NM_004104.5(FASN):c.3847G>T (p.Ala1283Ser)

Gene: FASN (fatty acid synthase; minus strand). Cytogenetic location: 17q25.3.
Variant type: single nucleotide variant.
Coding change: c.3847G>T on transcript NM_004104.5 (MANE Select); coding-DNA position 3847, G replaced by T.
Protein change: p.Ala1283Ser; replaces alanine 1283 with serine.
Molecular consequence: missense variant.
Genome position (GRCh38, 1-based): chr17:82,085,757, C>A on the plus strand (G>T on the coding strand, the complement: FASN is on the minus strand). VCF-style: chr17-82085757-C-A. GRCh37 (hg19) VCF-style: chr17-80043633-C-A.
Other names: short protein forms A1283S.
Identifiers: ClinVar variation 960250 (VCV000960250.9), dbSNP rs924118086, ClinGen allele CA295130266.